The following is an entry in ClinVar:

ClinVar aggregate classification (germline): Uncertain significance (1 of 4 stars; one submission).

Conditions:
Neuromuscular disease caused by qualitative or quantitative defects of dysferlin. Also called: Dysferlinopathy; Qualitative or quantitative defects of dysferlin. Identifiers: Orphanet 207073, MedGen C2931687, MONDO:0016145.

gnomAD v4.1: 5 of 1,613,990 alleles (0.00031%); highest among the groups gnomAD compares: Non-Finnish European, 0.00042%; no homozygotes.

Submission:

Labcorp Genetics (formerly Invitae), Labcorp
Classification: Uncertain significance for Neuromuscular disease caused by qualitative or quantitative defects of dysferlin. Last evaluated: 2021-12-21. Review status: criteria provided, single submitter. Criteria: Invitae Variant Classification Sherloc (09022015). Collection method: clinical testing. Allele origin: germline.
Comment: This sequence change replaces proline, which is neutral and non-polar, with arginine, which is basic and polar, at codon 1214 of the DYSF protein (p.Pro1214Arg). This variant is present in population databases (no rsID available, gnomAD 0.0009%). This variant has not been reported in the literature in individuals affected with DYSF-related conditions. Advanced modeling of protein sequence and biophysical properties (such as structural, functional, and spatial information, amino acid conservation, physicochemical variation, residue mobility, and thermodynamic stability) performed at Invitae indicates that this missense variant is not expected to disrupt DYSF protein function. In summary, the available evidence is currently insufficient to determine the role of this variant in disease. Therefore, it has been classified as a Variant of Uncertain Significance.

NM_001130987.2(DYSF):c.3695C>G (p.Pro1232Arg)

Gene: DYSF (dysferlin; plus strand). Cytogenetic location: 2p13.2.
Variant type: single nucleotide variant.
Coding change: c.3695C>G on transcript NM_001130987.2 (MANE Select); coding-DNA position 3695, C replaced by G.
Protein change: p.Pro1232Arg; replaces proline 1232 with arginine.
Molecular consequence: missense variant.
Genome position (GRCh38, 1-based): chr2:71,598,684, C>G. VCF-style: chr2-71598684-C-G. GRCh37 (hg19) VCF-style: chr2-71825814-C-G.
Other names: c.3644C>G, p.Pro1215Arg (NM_001130455.2, NM_001130983.2); c.3599C>G, p.Pro1200Arg (NM_001130976.2, NM_001130977.2); c.3641C>G, p.Pro1214Arg (NM_001130978.2, NM_003494.4); c.3734C>G, p.Pro1245Arg (NM_001130979.2); c.3692C>G, p.Pro1231Arg (NM_001130980.2, NM_001130981.2); c.3737C>G, p.Pro1246Arg (NM_001130982.2); c.3602C>G, p.Pro1201Arg (NM_001130984.2, NM_001130986.2); c.3695C>G, p.Pro1232Arg (NM_001130985.2); short protein forms P1201R, P1214R, P1231R, P1215R, P1246R, P1200R, P1245R, P1232R.
Identifiers: ClinVar variation 2153286 (VCV002153286.3), dbSNP rs150942486, ClinGen allele CA347224230.
Genomic context (GRCh38, chr2:71,598,684, plus strand): 5'-CCCTTAACCCCACCTGGGACCAGACGCTCATCTTCTACGAGATCGAGATCTTTGGCGAGC[C>G]GGCCACAGTTGCTGAGCAACCGCCCAGCATTGTGGTGGAGCTGTACGACCATGACACTTA-3'
Protein context (NP_001124459.1, residues 1222-1242): IFYEIEIFGE[Pro1232Arg]ATVAEQPPSI